The following is an entry in ClinVar:

ClinVar aggregate classification (germline): Uncertain significance (1 of 4 stars; one submission).

Conditions:
Hypertrophic cardiomyopathy. Also called: HYPERTROPHIC MYOCARDIOPATHY. Identifiers: Orphanet 217569, MedGen C0007194, MeSH D002312, MONDO:0005045, HP:0001639.

Allele frequency attached by ClinVar (database versions not stated): TOPMed below 0.00001.

Submission:

Labcorp Genetics (formerly Invitae), Labcorp
Classification: Uncertain significance for Hypertrophic cardiomyopathy. Last evaluated: 2019-06-20. Review status: criteria provided, single submitter. Criteria: Invitae Variant Classification Sherloc (09022015). Collection method: clinical testing. Allele origin: germline.
Comment: This variant has not been reported in the literature in individuals with MYH7-related disease. This sequence change replaces aspartic acid with asparagine at codon 1595 of the MYH7 protein (p.Asp1595Asn). The aspartic acid residue is highly conserved and there is a small physicochemical difference between aspartic acid and asparagine. This variant is not present in population databases (ExAC no frequency). An algorithm developed specifically for the MYH7 gene suggests that this missense change is likely to be tolerated (PMID: 21310275). However, this prediction has not been confirmed by published functional studies and its clinical significance is uncertain. In summary, the available evidence is currently insufficient to determine the role of this variant in disease. Therefore, it has been classified as a Variant of Uncertain Significance.

Literature cited by the submitters: PubMed 21310275.

NM_000257.4(MYH7):c.4783G>A (p.Asp1595Asn)

Genes: MHRT (myosin heavy chain associated RNA transcript; plus strand), MYH7 (myosin heavy chain 7; minus strand), LOC126861897 (BRD4-independent group 4 enhancer GRCh37_chr14:23884455-23885654; plus strand). Cytogenetic location: 14q11.2.
Variant type: single nucleotide variant.
Coding change: c.4783G>A on transcript NM_000257.4 (MANE Select); coding-DNA position 4783, G replaced by A.
Protein change: p.Asp1595Asn; replaces aspartic acid 1595 with asparagine.
Molecular consequence: missense variant. On other transcripts: non-coding transcript variant (1).
Genome position (GRCh38, 1-based): chr14:23,416,174, C>T on the plus strand (G>A on the coding strand, the complement: MYH7 is on the minus strand). VCF-style: chr14-23416174-C-T. GRCh37 (hg19) VCF-style: chr14-23885383-C-T.
Other names: short protein forms D1595N.
Identifiers: ClinVar variation 524949 (VCV000524949.9), dbSNP rs1555336453, ClinGen allele CA389037643.